The following is an entry in ClinVar:

ClinVar aggregate classification (germline): Uncertain significance (1 of 4 stars; one submission).

Conditions:
GRN-related frontotemporal lobar degeneration with Tdp43 inclusions (FTD2). Also called: DEMENTIA, HEREDITARY DYSPHASIC DISINHIBITION; FRONTOTEMPORAL LOBAR DEGENERATION WITH UBIQUITIN-POSITIVE INCLUSIONS; FTLD-TDP, GRN-RELATED; GRN Frontotemporal Dementia; FRONTOTEMPORAL DEMENTIA WITH TDP43 INCLUSIONS, GRN-RELATED. Identifiers: Orphanet 100070, Orphanet 282, MedGen C1843792, MONDO:0011842, OMIM 607485. Disease mechanism: loss of function.
Neuronal ceroid lipofuscinosis 11. Also called: GRN-Related Neuronal Ceroid-Lipofuscinosis. Identifiers: Orphanet 314629, Orphanet 79262, MedGen C3539123, MONDO:0013866, OMIM 614706.

Allele frequency attached by ClinVar (database versions not stated): gnomAD 0.00001; ExAC 0.00003; TOPMed 0.00003.
gnomAD v4.1: 35 of 1,610,046 alleles (0.0022%); highest among the groups gnomAD compares: Non-Finnish European, 0.0027%; no homozygotes.

Submission:

Labcorp Genetics (formerly Invitae), Labcorp
Classification: Uncertain significance for Neuronal ceroid lipofuscinosis 11; GRN-related frontotemporal lobar degeneration with Tdp43 inclusions. Last evaluated: 2023-11-14. Review status: criteria provided, single submitter. Criteria: Invitae Variant Classification Sherloc (09022015). Collection method: clinical testing. Allele origin: germline.
Comment: This sequence change replaces arginine, which is basic and polar, with glutamine, which is neutral and polar, at codon 555 of the GRN protein (p.Arg555Gln). This variant is present in population databases (rs773453925, gnomAD 0.005%). This variant has not been reported in the literature in individuals affected with GRN-related conditions. Advanced modeling of protein sequence and biophysical properties (such as structural, functional, and spatial information, amino acid conservation, physicochemical variation, residue mobility, and thermodynamic stability) performed at Invitae indicates that this missense variant is not expected to disrupt GRN protein function with a negative predictive value of 80%. In summary, the available evidence is currently insufficient to determine the role of this variant in disease. Therefore, it has been classified as a Variant of Uncertain Significance.

NM_002087.4(GRN):c.1664G>A (p.Arg555Gln)

Gene: GRN (granulin precursor; plus strand). Cytogenetic location: 17q21.31.
Variant type: single nucleotide variant.
Coding change: c.1664G>A on transcript NM_002087.4 (MANE Select); coding-DNA position 1664, G replaced by A.
Protein change: p.Arg555Gln; replaces arginine 555 with glutamine.
Molecular consequence: missense variant.
Genome position (GRCh38, 1-based): chr17:44,352,680, G>A. VCF-style: chr17-44352680-G-A. GRCh37 (hg19) VCF-style: chr17-42430048-G-A.
Other names: short protein forms R555Q.
Identifiers: ClinVar variation 2937040 (VCV002937040.3), dbSNP rs773453925, ClinGen allele CA8602274.